The following is an entry in ClinVar:

NM_182972.3(IRF2BP2):c.281AGC[3] (p.Gln97_Gln98del)

Genes: IRF2BP2 (interferon regulatory factor 2 binding protein 2; minus strand), LOC129932812 (ATAC-STARR-seq lymphoblastoid silent region 1977; plus strand). Cytogenetic location: 1q42.3.
Variant type: Microsatellite.
Coding change: c.281AGC[3] on transcript NM_182972.3 (MANE Select); three copies in a row of the 3-base unit AGC starting at c.281; the reference has five copies in a row; two copies, 6 bases deleted.
Protein change: p.Gln97_Gln98del.
Molecular consequence: inframe deletion.
Genome position (GRCh38, 1-based): chr1:234,609,200-234,609,205, GCTGCT deleted on the plus strand (AGCAGC on the coding strand, the reverse complement: IRF2BP2 is on the minus strand); deleting any 6 consecutive bases within chr1:234,609,200-234,609,216 gives the same sequence; the position shown is the placement nearest the transcript's 3' end. VCF-style (leftmost placement, unchanged base first): chr1-234609199-AGCTGCT-A. GRCh37 (hg19) VCF-style: chr1-234744945-AGCTGCT-A.
Other names: c.281AGC[3], p.Gln97_Gln98del (NM_001077397.1).
Identifiers: ClinVar variation 3003929 (VCV003003929.3), dbSNP rs371994015, ClinGen allele CA2529852627.
Genomic context (GRCh38, chr1:234,609,199, plus strand): 5'-AACGGGTAGCGCTCCAAGGCCTGCGGCGCGCGCGGGGCCGCCTCGGGGCCGCCGTGGCCA[AGCTGCT>A]GCTGCTGCTGCAAAAGGATGTCCTTGGCGGAGAGCGGCGGCGGCTTGGCGGCGGCCGAGG-3'

ClinVar aggregate classification (germline): Uncertain significance (1 of 4 stars; one submission).

Submission:

Labcorp Genetics (formerly Invitae), Labcorp
Classification: Uncertain significance. Last evaluated: 2024-08-28. Review status: criteria provided, single submitter. Criteria: Invitae Variant Classification Sherloc (09022015). Collection method: clinical testing. Allele origin: germline.
Comment: This variant, c.290_295del, results in the deletion of 2 amino acid(s) of the IRF2BP2 protein (p.Gln97_Gln98del), but otherwise preserves the integrity of the reading frame. This variant is not present in population databases (gnomAD no frequency). This variant has not been reported in the literature in individuals affected with IRF2BP2-related conditions. Experimental studies and prediction algorithms are not available or were not evaluated, and the functional significance of this variant is currently unknown. In summary, the available evidence is currently insufficient to determine the role of this variant in disease. Therefore, it has been classified as a Variant of Uncertain Significance.